The following is an entry in ClinVar:

ClinVar aggregate classification (germline): Pathogenic (1 of 4 stars; one submission).

Submission:

Athena Diagnostics
Classification: Pathogenic. Last evaluated: 2023-12-18. Review status: criteria provided, single submitter. Criteria: Athena Diagnostics Criteria. Collection method: clinical testing. Allele origin: unknown.
Comment: This variant is expected to severely impact normal RNA splicing, and consequently, protein structure and/or function. This variant has been identified in at least one individual tested at Athena Diagnostics with clinical features associated with this gene. This variant has not been reported in large, multi-ethnic general populations.

NM_000368.5(TSC1):c.993_1029+46del

Gene: TSC1 (TSC complex subunit 1; minus strand). Cytogenetic location: 9q34.13.
Variant type: Deletion.
Coding change: c.993_1029+46del on transcript NM_000368.5 (MANE Select); coding-DNA position 993 through 46 bases into the intron after coding-DNA position 1029, 83 bases deleted.
Molecular consequence: splice donor variant.
Genome position (GRCh38, 1-based): chr9:132,911,407-132,911,489, 83 bases deleted. GRCh37 (hg19): chr9:135,786,795-135,786,877.
Other names: c.630_666+46del (NM_001406620.1, NM_001406618.1, NM_001406625.1 and 10 more transcripts); c.840_876+46del (NM_001406613.1, NM_001406612.1, NM_001406610.1 and 2 more transcripts); c.42_78+46del (NM_001406627.1, NM_001406628.1, NM_001406626.1); c.-101_-22+3del (NM_001406629.1, NM_001406630.1); c.993_1029+46del (NM_001406603.1, NM_001406609.1, NM_001406597.1 and 16 more transcripts).
Identifiers: ClinVar variation 3571629 (VCV003571629.1).